The following is an entry in ClinVar:

NM_000052.7(ATP7A):c.2632G>A (p.Ala878Thr)

Gene: ATP7A (ATPase copper transporting alpha; plus strand). Cytogenetic location: Xq21.1.
Variant type: single nucleotide variant.
Coding change: c.2632G>A on transcript NM_000052.7 (MANE Select); coding-DNA position 2632, G replaced by A.
Protein change: p.Ala878Thr; replaces alanine 878 with threonine.
Molecular consequence: missense variant.
Genome position (GRCh38, 1-based): chrX:78,020,249, G>A. VCF-style: chrX-78020249-G-A. GRCh37 (hg19) VCF-style: chrX-77275746-G-A.
Other names: c.2398G>A, p.Ala800Thr (NM_001282224.2); short protein forms A800T, A878T.
Identifiers: ClinVar variation 3753809 (VCV003753809.2).

ClinVar aggregate classification (germline): Uncertain significance (1 of 4 stars; one submission).

Conditions:
Menkes kinky-hair syndrome (MNK). Also called: Copper transport disease; Menkes Disease; Classic Menkes Disease. Identifiers: Orphanet 565, MedGen C0022716, MONDO:0010651, OMIM 309400.
X-linked distal spinal muscular atrophy type 3. Also called: ATP7A-Related Distal Motor Neuropathy; SPINAL MUSCULAR ATROPHY, DISTAL, X-LINKED RECESSIVE; NEURONOPATHY, DISTAL HEREDITARY MOTOR, X-LINKED; NEUROPATHY, DISTAL HEREDITARY MOTOR, X-LINKED. Identifiers: Orphanet 139557, MedGen C1845359, MONDO:0010338, OMIM 300489.
Cutis laxa, X-linked (OHS). Also called: EDS IX; Occipital horn syndrome. Identifiers: Orphanet 198, MedGen C0268353, MONDO:0010572, OMIM 304150.

Submission:

Labcorp Genetics (formerly Invitae), Labcorp
Classification: Uncertain significance for X-linked distal spinal muscular atrophy type 3; Cutis laxa, X-linked; Menkes kinky-hair syndrome. Last evaluated: 2024-03-26. Review status: criteria provided, single submitter. Criteria: Invitae Variant Classification Sherloc (09022015). Collection method: clinical testing. Allele origin: germline.
Comment: This sequence change replaces alanine, which is neutral and non-polar, with threonine, which is neutral and polar, at codon 878 of the ATP7A protein (p.Ala878Thr). This variant is not present in population databases (gnomAD no frequency). This variant has not been reported in the literature in individuals affected with ATP7A-related conditions. Advanced modeling of protein sequence and biophysical properties (such as structural, functional, and spatial information, amino acid conservation, physicochemical variation, residue mobility, and thermodynamic stability) performed at Invitae indicates that this missense variant is not expected to disrupt ATP7A protein function with a negative predictive value of 95%. In summary, the available evidence is currently insufficient to determine the role of this variant in disease. Therefore, it has been classified as a Variant of Uncertain Significance.